The following is an entry in ClinVar:

NM_000136.3(FANCC):c.357_358del (p.His120fs)

Gene: FANCC (FA complementation group C; minus strand). Cytogenetic location: 9q22.32.
Variant type: Microsatellite.
Coding change: c.357_358del on transcript NM_000136.3 (MANE Select); coding-DNA positions 357 to 358, 2 bases deleted (TC; older notation c.357_358delTC).
Protein change: p.His120fs; shifts the reading frame from histidine 120.
Molecular consequence: frameshift variant.
Genome position (GRCh38, 1-based): chr9:95,172,135-95,172,136, GA deleted on the plus strand (TC on the coding strand, the reverse complement: FANCC is on the minus strand); deleting any 2 consecutive bases within chr9:95,172,135-95,172,138 gives the same sequence; the c. name uses the placement nearest the transcript's 3' end. VCF-style (leftmost placement, unchanged base first): chr9-95172134-TGA-T. GRCh37 (hg19) VCF-style: chr9-97934416-TGA-T.
Other names: c.357_358del, p.His120fs (NM_001243743.2, NM_001243744.2); short protein forms H120fs.
Identifiers: ClinVar variation 813413 (VCV000813413.2), dbSNP rs1588220764, ClinGen allele CA915947039.

ClinVar aggregate classification (germline): Pathogenic. Review status: criteria provided, multiple submitters, no conflicts (2 of 4 stars). 2 submissions from 2 submitters: Pathogenic (2). Last evaluated 2025-05-05.

Conditions:
Fanconi anemia complementation group C (FANCC). Also called: FANCONI PANCYTOPENIA, TYPE 3; FACC; Fanconi anemia, group C; FANCC-Related Fanconi Anemia. Identifiers: Orphanet 84, MedGen C3468041, MONDO:0009213, OMIM 227645.

Submissions (2):

Myriad Genetics, Inc.
Classification: Pathogenic for Fanconi anemia complementation group C. Last evaluated: 2025-05-05. Review status: criteria provided, single submitter. Criteria: Myriad Autosomal Dominant, Autosomal Recessive and X-Linked Classification Criteria (2023). Collection method: clinical testing. Allele origin: unknown.
Comment: NM_000136.2(FANCC):c.357_358delTC(H120Yfs*8) is expected to be pathogenic in the context of Fanconi anemia, FANCC-related. This variant is predicted to lead to an abnormal or absent protein product due to the creation of a premature termination codon in FANCC, a gene where loss-of-function variants are known to be pathogenic. Please note: this variant was assessed in the context of healthy population screening.

Baylor Genetics
Classification: Pathogenic for Fanconi anemia complementation group C. Review status: criteria provided, single submitter. Criteria: ACMG Guidelines, 2015. Collection method: clinical testing. Allele origin: germline.